The following is an entry in ClinVar:

NM_001166108.2(PALLD):c.1965-12715G>A

Gene: PALLD (palladin, cytoskeletal associated protein; plus strand). Cytogenetic location: 4q32.3.
Variant type: single nucleotide variant.
Coding change: c.1965-12715G>A on transcript NM_001166108.2 (MANE Select); 12715 bases into the intron before coding-DNA position 1965, G replaced by A.
Molecular consequence: intron variant. On other transcripts: missense variant (1).
Genome position (GRCh38, 1-based): chr4:168,878,207, G>A. VCF-style: chr4-168878207-G-A. GRCh37 (hg19) VCF-style: chr4-169799358-G-A.
Other names: c.316G>A, p.Asp106Asn (NM_001166110.2); c.1965-12715G>A (NM_016081.4); c.819-12715G>A (NM_001166109.2); c.-157-12715G>A (NM_001367570.1, NM_001367568.1, NM_001367567.1 and 1 more transcripts); short protein forms D106N.
Identifiers: ClinVar variation 4861558 (VCV004861558.1).
Genomic context (GRCh38, chr4:168,878,207, plus strand): 5'-CCGTCGCCCCCGCCCCCGCCACCCCCGGTCTTCAGCCCCACGGCTGCCTTCCCGGTGCCC[G>A]ACGTGTTCCCACTGCCGCCGCCACCACCGCCGCTCCCGAGCCCGGGACAGGCGTCCCACT-3'

ClinVar aggregate classification (germline): Uncertain significance (1 of 4 stars; one submission).

Submission:

Ambry Genetics
Classification: Uncertain significance. Last evaluated: 2026-05-18. Review status: criteria provided, single submitter. Criteria: Ambry Variant Classification Scheme 2023. Collection method: clinical testing. Allele origin: germline.
Comment: The p.D106N variant (also known as c.316G>A), located in coding exon 1 of the PALLD gene, results from a G to A substitution at nucleotide position 316. The aspartic acid at codon 106 is replaced by asparagine, an amino acid with highly similar properties. This amino acid position is conserved. In addition, this alteration is predicted to be tolerated by in silico analysis. Based on the available evidence, the clinical significance of this variant remains unclear.